The following is an entry in ClinVar:

NM_198576.4(AGRN):c.1500T>C (p.Pro500=)

Gene: AGRN (agrin; plus strand). Cytogenetic location: 1p36.33.
Variant type: single nucleotide variant.
Coding change: c.1500T>C on transcript NM_198576.4 (MANE Select); coding-DNA position 1500, T replaced by C.
Protein change: p.Pro500=; no amino-acid change (proline 500 retained).
Molecular consequence: synonymous variant.
Genome position (GRCh38, 1-based): chr1:1,043,354, T>C. VCF-style: chr1-1043354-T-C. GRCh37 (hg19) VCF-style: chr1-978734-T-C.
Other names: c.1500T>C, p.Pro500= (NM_001305275.2); c.1185T>C, p.Pro395= (NM_001364727.2).
Identifiers: ClinVar variation 704483 (VCV000704483.12), dbSNP rs373770321, ClinGen allele CA508202.

ClinVar aggregate classification (germline): Benign. Review status: criteria provided, multiple submitters, no conflicts (2 of 4 stars). 2 submissions from 2 submitters: Benign (2). Last evaluated 2025-12-01.

Conditions:
Congenital myasthenic syndrome 8. Also called: Myasthenic syndrome, congenital, 8, with pre- and postsynaptic defects; MYASTHENIC SYNDROME, CONGENITAL, DUE TO AGRIN DEFICIENCY. Identifiers: Orphanet 590, MedGen C3808739, MONDO:0014052, OMIM 615120.
AGRN-related disorder. Also called: AGRN-related condition.

Allele frequency attached by ClinVar (database versions not stated): gnomAD 0.00001 and 0.00014; TOPMed 0.00003; gnomAD exomes 0.00026 and 0.00061; ExAC 0.00080; 1000 Genomes Project 30x 0.00125; 1000 Genomes Project 0.00140.
gnomAD v4.1: 413 of 1,610,690 alleles (0.026%); highest among the groups gnomAD compares: South Asian, 0.42%; 7 homozygotes.

Submissions (2):

Labcorp Genetics (formerly Invitae), Labcorp
Classification: Benign for Congenital myasthenic syndrome 8. Last evaluated: 2025-12-01. Review status: criteria provided, single submitter. Criteria: Invitae Variant Classification Sherloc (09022015). Collection method: clinical testing. Allele origin: germline.

PreventionGenetics, part of Exact Sciences
Classification: Benign for AGRN-related condition. Last evaluated: 2025-05-13. Review status: criteria provided, single submitter. Criteria: ACMG Guidelines, 2015. Collection method: clinical testing. Allele origin: germline.
Comment: This variant is classified as benign based on ACMG/AMP sequence variant interpretation guidelines (Richards et al. 2015 PMID: 25741868, with internal and published modifications).